The following is an entry in ClinVar:

NM_003873.7(NRP1):c.639C>A (p.Ile213=)

Gene: NRP1 (neuropilin 1; minus strand). Cytogenetic location: 10p11.22.
Variant type: single nucleotide variant.
Coding change: c.639C>A on transcript NM_003873.7 (MANE Select); coding-DNA position 639, C replaced by A.
Protein change: p.Ile213=; no amino-acid change (isoleucine 213 retained).
Molecular consequence: synonymous variant. On other transcripts: non-coding transcript variant (1).
Genome position (GRCh38, 1-based): chr10:33,263,665, G>T on the plus strand (C>A on the coding strand, the complement: NRP1 is on the minus strand). VCF-style: chr10-33263665-G-T. GRCh37 (hg19) VCF-style: chr10-33552593-G-T.
Other names: c.639C>A, p.Ile213= (NM_001024628.3, NM_001024629.3, NM_001244972.2 and 2 more transcripts).
Identifiers: ClinVar variation 5000239 (VCV005000239.1).

ClinVar aggregate classification (germline): Likely benign (1 of 4 stars; one submission).

Conditions:
NRP1-related disorder. Also called: NRP1-related condition.

Submission:

PreventionGenetics, part of Exact Sciences
Classification: Likely benign for NRP1-related condition. Last evaluated: 2025-05-27. Review status: criteria provided, single submitter. Criteria: ACMG Guidelines, 2015. Collection method: clinical testing. Allele origin: germline.
Comment: This variant is classified as likely benign based on ACMG/AMP sequence variant interpretation guidelines (Richards et al. 2015 PMID: 25741868, with internal and published modifications).